The following is an entry in ClinVar:

ClinVar aggregate classification (germline): Pathogenic (1 of 4 stars; one submission).

Conditions:
Leukocyte adhesion deficiency 3. Also called: Leukocyte adhesion deficiency, type III; INTEGRIN ACTIVATION DEFICIENCY DISEASE; LEUKOCYTE ADHESION DEFICIENCY 1 VARIANT. Identifiers: Orphanet 2968, Orphanet 99844, MedGen C2748536, MONDO:0013016, OMIM 612840.

Submission:

Labcorp Genetics (formerly Invitae), Labcorp
Classification: Pathogenic for Leukocyte adhesion deficiency 3. Last evaluated: 2025-12-16. Review status: criteria provided, single submitter. Criteria: Invitae Variant Classification Sherloc (09022015). Collection method: clinical testing. Allele origin: germline.
Comment: This sequence change creates a premature translational stop signal (p.Tyr432*) in the FERMT3 gene. It is expected to result in an absent or disrupted protein product. Loss-of-function variants in FERMT3 are known to be pathogenic (PMID: 19064721, 19234463, 22134107). This variant is not present in population databases (gnomAD no frequency). This variant has not been reported in the literature in individuals affected with FERMT3-related conditions. For these reasons, this variant has been classified as Pathogenic.

Literature cited by the submitters: PubMed 19064721; PubMed 19234463; PubMed 22134107.

NM_031471.6(FERMT3):c.1295_1296insACTGCGGTGCCAGGATGTGAGTGAGATCTA (p.Tyr432Ter)

Gene: FERMT3 (FERM domain containing kindlin 3; plus strand). Cytogenetic location: 11q13.1.
Variant type: Microsatellite.
Coding change: c.1295_1296insACTGCGGTGCCAGGATGTGAGTGAGATCTA on transcript NM_031471.6 (MANE Select); coding-DNA positions 1295 to 1296, ACTGCGGTGCCAGGATGTGAGTGAGATCTA inserted.
Protein change: p.Tyr432Ter; replaces tyrosine 432 with a stop codon.
Molecular consequence: nonsense.
Genome position: GRCh38 VCF-style: chr11-64220297-A-ATGAGTGAGATCTAACTGCGGTGCCAGGATG. GRCh37 (hg19) VCF-style: chr11-63987769-A-ATGAGTGAGATCTAACTGCGGTGCCAGGATG.
Other names: c.1295_1296insACTGCGGTGCCAGGATGTGAGTGAGATCTA, p.Tyr432Ter (NM_001382361.1, NM_001382448.1); c.1307_1308insACTGCGGTGCCAGGATGTGAGTGAGATCTA, p.Tyr436Ter (NM_001382362.1, NM_178443.3); c.755_756insACTGCGGTGCCAGGATGTGAGTGAGATCTA, p.Tyr252Ter (NM_001382363.1); c.767_768insACTGCGGTGCCAGGATGTGAGTGAGATCTA, p.Tyr256Ter (NM_001382364.1); short protein forms Y436*, Y432*, Y252*, Y256*.
Identifiers: ClinVar variation 4732996 (VCV004732996.1).